The following is an entry in ClinVar:

ClinVar aggregate classification (germline): Uncertain significance (1 of 4 stars; one submission).

Conditions:
Inborn genetic diseases. Identifiers: MedGen C0950123, MeSH D030342.

Allele frequency attached by ClinVar (database versions not stated): gnomAD exomes below 0.00001; TOPMed 0.00001.
gnomAD v4.1: 1 of 1,182,530 alleles (0.000085%); highest among the groups gnomAD compares: Admixed American, 0.0022%; no homozygotes.

Submission:

Ambry Genetics
Classification: Uncertain significance for Inborn genetic diseases. Last evaluated: 2014-11-06. Review status: criteria provided, single submitter. Criteria: Ambry Variant Classification Scheme 2023. Collection method: clinical testing. Allele origin: germline.
Comment: The c.4006-8C>T intronic variant results from a C to T substitution 8 nucleotides upstream from coding exon 36 in the BRWD3 gene. This variant was not reported in population based cohorts in the following databases: Database of Single Nucleotide Polymorphisms (dbSNP), NHLBI Exome Sequencing Project (ESP), and 1000 Genomes Project. In the ESP, this variant was not observed in 6502 samples with coverage at this position. This nucleotide position is not conserved in available vertebrate species. Using the BDGP and ESEfinder splice site prediction tools, this alteration is not predicted to have any significant effect on this acceptor/donor splice site; however, direct evidence is unavailable. Since supporting evidence is limited at this time, the clinical significance of this variant remains unclear.

NM_153252.5(BRWD3):c.4006-8C>T

Gene: BRWD3 (bromodomain and WD repeat domain containing 3; minus strand). Cytogenetic location: Xq21.1.
Variant type: single nucleotide variant.
Coding change: c.4006-8C>T on transcript NM_153252.5 (MANE Select); 8 bases into the intron before coding-DNA position 4006, C replaced by T.
Molecular consequence: intron variant.
Genome position (GRCh38, 1-based): chrX:80,685,544, G>A on the plus strand (C>T on the coding strand, the complement: BRWD3 is on the minus strand). VCF-style: chrX-80685544-G-A. GRCh37 (hg19) VCF-style: chrX-79941043-G-A.
Identifiers: ClinVar variation 1736968 (VCV001736968.2), dbSNP rs2072509272, ClinGen allele CA2440240944.